The following is an entry in ClinVar:

ClinVar aggregate classification (germline): Uncertain significance (1 of 4 stars; one submission).

Allele frequency attached by ClinVar (database versions not stated): gnomAD exomes below 0.00001; ExAC 0.00001.
gnomAD v4.1: 1 of 1,613,824 alleles (0.000062%); highest among the groups gnomAD compares: South Asian, 0.0011%; no homozygotes.

Submission:

Labcorp Genetics (formerly Invitae), Labcorp
Classification: Uncertain significance. Last evaluated: 2022-08-03. Review status: criteria provided, single submitter. Criteria: Invitae Variant Classification Sherloc (09022015). Collection method: clinical testing. Allele origin: germline.
Comment: In summary, the available evidence is currently insufficient to determine the role of this variant in disease. Therefore, it has been classified as a Variant of Uncertain Significance. Algorithms developed to predict the effect of missense changes on protein structure and function (SIFT, PolyPhen-2, Align-GVGD) all suggest that this variant is likely to be disruptive. This variant has not been reported in the literature in individuals affected with SLC6A19-related conditions. This variant is present in population databases (rs764170137, gnomAD 0.003%). This sequence change replaces histidine, which is basic and polar, with tyrosine, which is neutral and polar, at codon 296 of the SLC6A19 protein (p.His296Tyr).

NM_001003841.3(SLC6A19):c.886C>T (p.His296Tyr)

Gene: SLC6A19 (solute carrier family 6 member 19; plus strand). Cytogenetic location: 5p15.33.
Variant type: single nucleotide variant.
Coding change: c.886C>T on transcript NM_001003841.3 (MANE Select); coding-DNA position 886, C replaced by T.
Protein change: p.His296Tyr; replaces histidine 296 with tyrosine.
Molecular consequence: missense variant.
Genome position (GRCh38, 1-based): chr5:1,214,064, C>T. VCF-style: chr5-1214064-C-T. GRCh37 (hg19) VCF-style: chr5-1214179-C-T.
Other names: short protein forms H296Y.
Identifiers: ClinVar variation 1714938 (VCV001714938.5), dbSNP rs764170137, ClinGen allele CA3182922.